The following is an entry in ClinVar:

ClinVar aggregate classification (germline): Conflicting classifications of pathogenicity. Review status: criteria provided, conflicting classifications (1 of 4 stars). 3 submissions from 3 submitters: Uncertain significance (2); Likely benign (1). Last evaluated 2025-03-18.

Conditions:
Adams-Oliver syndrome 5 (AOS5). Identifiers: Orphanet 974, MedGen C4014970, MONDO:0014459, OMIM 616028.

Allele frequency attached by ClinVar (database versions not stated): gnomAD exomes below 0.00001; TOPMed below 0.00001; gnomAD 0.00001; ExAC 0.00003.
gnomAD v4.1: 9 of 1,585,156 alleles (0.00057%); highest among the groups gnomAD compares: Non-Finnish European, 0.00069%; no homozygotes.

Submissions (3):

GeneDx
Classification: Uncertain significance. Last evaluated: 2025-03-18. Review status: criteria provided, single submitter. Criteria: GeneDx Variant Classification Process June 2021. Collection method: clinical testing. Allele origin: germline. Affected: yes.
Comment: Not observed at significant frequency in large population cohorts (gnomAD); In silico analysis indicates that this missense variant does not alter protein structure/function; Has not been previously published as pathogenic or benign to our knowledge

Labcorp Genetics (formerly Invitae), Labcorp
Classification: Likely benign for Adams-Oliver syndrome 5. Last evaluated: 2022-12-06. Review status: criteria provided, single submitter. Criteria: Invitae Variant Classification Sherloc (09022015). Collection method: clinical testing. Allele origin: germline.

Blueprint Genetics
Classification: Uncertain significance. Last evaluated: 2022-09-08. Review status: criteria provided, single submitter. Criteria: ACMG Guidelines, 2015. Collection method: clinical testing. Allele origin: germline.

NM_017617.5(NOTCH1):c.4810G>A (p.Val1604Met)

Gene: NOTCH1 (notch receptor 1; minus strand). Cytogenetic location: 9q34.3.
Variant type: single nucleotide variant.
Coding change: c.4810G>A on transcript NM_017617.5 (MANE Select); coding-DNA position 4810, G replaced by A.
Protein change: p.Val1604Met; replaces valine 1604 with methionine.
Molecular consequence: missense variant.
Genome position (GRCh38, 1-based): chr9:136,504,881, C>T on the plus strand (G>A on the coding strand, the complement: NOTCH1 is on the minus strand). VCF-style: chr9-136504881-C-T. GRCh37 (hg19) VCF-style: chr9-139399333-C-T.
Other names: c.4810G>A (NM_017617.3); short protein forms V1604M.
Identifiers: ClinVar variation 1487918 (VCV001487918.8), dbSNP rs763765573, ClinGen allele CA5340511.